The following is an entry in ClinVar:

ClinVar aggregate classification (germline): Uncertain significance (1 of 4 stars; one submission).

Conditions:
Tuberous sclerosis 2 (TSC2). Identifiers: Orphanet 805, MedGen C1860707, MONDO:0013199, OMIM 613254.

Submission:

Labcorp Genetics (formerly Invitae), Labcorp
Classification: Uncertain significance for Tuberous sclerosis 2. Last evaluated: 2021-04-26. Review status: criteria provided, single submitter. Criteria: Invitae Variant Classification Sherloc (09022015). Collection method: clinical testing. Allele origin: germline.
Comment: This variant has not been reported in the literature in individuals with TSC2-related conditions. In summary, the available evidence is currently insufficient to determine the role of this variant in disease. Therefore, it has been classified as a Variant of Uncertain Significance. Nucleotide substitutions within the consensus splice site are a relatively common cause of aberrant splicing (PMID: 17576681, 9536098). Algorithms developed to predict the effect of sequence changes on RNA splicing suggest that this variant may disrupt the consensus splice site, but this prediction has not been confirmed by published transcriptional studies. This variant is not present in population databases (ExAC no frequency). This sequence change falls in intron 21 of the TSC2 gene. It does not directly change the encoded amino acid sequence of the TSC2 protein. It affects a nucleotide within the consensus splice site of the intron.

Literature cited by the submitters: PubMed 17576681; PubMed 9536098.

NM_000548.5(TSC2):c.2355+3A>C

Gene: TSC2 (TSC complex subunit 2; plus strand). Cytogenetic location: 16p13.3.
Variant type: single nucleotide variant.
Coding change: c.2355+3A>C on transcript NM_000548.5 (MANE Select); 3 bases into the intron after coding-DNA position 2355, A replaced by C.
Molecular consequence: intron variant.
Genome position (GRCh38, 1-based): chr16:2,072,986, A>C. VCF-style: chr16-2072986-A-C. GRCh37 (hg19) VCF-style: chr16-2122987-A-C.
Other names: c.2355+3A>C (NM_001114382.3, NM_021055.3, NM_001370405.1 and 3 more transcripts); c.2244+3A>C (NM_001318827.2); c.1755+3A>C (NM_001318831.2); c.2208+3A>C (NM_001318829.2); c.2388+3A>C (NM_001318832.2).
Identifiers: ClinVar variation 1349060 (VCV001349060.6), dbSNP rs2151329166, ClinGen allele CA2573151625.